The following is an entry in ClinVar:

ClinVar aggregate classification (germline): Conflicting classifications of pathogenicity. Review status: criteria provided, conflicting classifications (1 of 4 stars). 3 submissions from 3 submitters: Uncertain significance (2); Benign (1). Last evaluated 2026-01-04.

Conditions:
Inborn genetic diseases. Identifiers: MedGen C0950123, MeSH D030342.
Paroxysmal nonkinesigenic dyskinesia 1 (PNKD1). Also called: Nonkinesigenic choreoathetosis; Familial paroxysmal choreoathetosis; DYSTONIA 8; Familial Paroxysmal Nonkinesigenic Dyskinesia; MOUNT-REBACK SYNDROME; PxMD-PNKD. Identifiers: Orphanet 98810, MedGen C4551506, MONDO:0700089, OMIM 118800, MONDO:0007326.
Paroxysmal nonkinesigenic dyskinesia. Also called: Paroxysmal non-kinesigenic dyskinesia. Identifiers: Orphanet 98810, MedGen C1869117, MONDO:0700088.

Allele frequency attached by ClinVar (database versions not stated): gnomAD exomes 0.00002 and 0.00008; ExAC 0.00003; gnomAD 0.00003; TOPMed 0.00005; ESP Exome Variant Server 0.00008.

Submissions (3):

Labcorp Genetics (formerly Invitae), Labcorp
Classification: Uncertain significance for Paroxysmal nonkinesigenic dyskinesia. Last evaluated: 2026-01-04. Review status: criteria provided, single submitter. Criteria: Invitae Variant Classification Sherloc (09022015). Collection method: clinical testing. Allele origin: germline.
Comment: This sequence change replaces alanine, which is neutral and non-polar, with valine, which is neutral and non-polar, at codon 100 of the PNKD protein (p.Ala100Val). This variant is present in population databases (rs374645683, gnomAD 0.007%). This variant has not been reported in the literature in individuals affected with PNKD-related conditions. ClinVar contains an entry for this variant (Variation ID: 334311). Invitae Evidence Modeling of protein sequence and biophysical properties (such as structural, functional, and spatial information, amino acid conservation, physicochemical variation, residue mobility, and thermodynamic stability) indicates that this missense variant is not expected to disrupt PNKD protein function with a negative predictive value of 80%. In summary, the available evidence is currently insufficient to determine the role of this variant in disease. Therefore, it has been classified as a Variant of Uncertain Significance.

Ambry Genetics
Classification: Uncertain significance for Inborn genetic diseases. Last evaluated: 2025-06-29. Review status: criteria provided, single submitter. Criteria: Ambry Variant Classification Scheme 2023. Collection method: clinical testing. Allele origin: germline.

Illumina Laboratory Services, Illumina
Classification: Benign for Paroxysmal nonkinesigenic dyskinesia 1. Last evaluated: 2018-01-12. Review status: criteria provided, single submitter. Criteria: ICSL Variant Classification Criteria 13 December 2019. Collection method: clinical testing. Allele origin: germline.
Comment: This variant was observed in the ICSL laboratory as part of a predisposition screen in an ostensibly healthy population. It had not been previously curated by ICSL or reported in the Human Gene Mutation Database (HGMD: prior to June 1st, 2018), and was therefore a candidate for classification through an automated scoring system. Utilizing variant allele frequency, disease prevalence and penetrance estimates, and inheritance mode, an automated score was calculated to assess if this variant is too frequent to cause the disease. Based on the score and internal cut-off values, a variant classified as benign is not then subjected to further curation. The score for this variant resulted in a classification of benign for this disease.

NM_015488.5(PNKD):c.299C>T (p.Ala100Val)

Genes: PNKD (PNKD metallo-beta-lactamase domain containing; plus strand), CATIP-AS2 (CATIP antisense RNA 2; minus strand). Cytogenetic location: 2q35.
Variant type: single nucleotide variant.
Coding change: c.299C>T on transcript NM_015488.5 (MANE Select); coding-DNA position 299, C replaced by T.
Protein change: p.Ala100Val; replaces alanine 100 with valine.
Molecular consequence: missense variant.
Genome position (GRCh38, 1-based): chr2:218,339,845, C>T. VCF-style: chr2-218339845-C-T. GRCh37 (hg19) VCF-style: chr2-219204568-C-T.
Other names: c.227C>T, p.Ala76Val (NM_022572.5); short protein forms A100V, A76V.
Identifiers: ClinVar variation 334311 (VCV000334311.12), dbSNP rs374645683, ClinGen allele CA2103886.